The following is an entry in ClinVar:

NM_000465.4(BARD1):c.1289C>T (p.Thr430Ile)

Gene: BARD1 (BRCA1 associated RING domain 1; minus strand). Cytogenetic location: 2q35.
Variant type: single nucleotide variant.
Coding change: c.1289C>T on transcript NM_000465.4 (MANE Select); coding-DNA position 1289, C replaced by T.
Protein change: p.Thr430Ile; replaces threonine 430 with isoleucine.
Molecular consequence: missense variant. On other transcripts: non-coding transcript variant (2), intron variant (3).
Genome position (GRCh38, 1-based): chr2:214,780,585, G>A on the plus strand (C>T on the coding strand, the complement: BARD1 is on the minus strand). VCF-style: chr2-214780585-G-A. GRCh37 (hg19) VCF-style: chr2-215645309-G-A.
Other names: c.1232C>T, p.Thr411Ile (NM_001282543.2); c.159-28030C>T (NM_001282548.2); c.215+16476C>T (NM_001282545.2); c.364+11712C>T (NM_001282549.2); short protein forms T430I, T411I.
Identifiers: ClinVar variation 495873 (VCV000495873.16), dbSNP rs587780015, ClinGen allele CA2090314.

ClinVar aggregate classification (germline): Uncertain significance. Review status: criteria provided, multiple submitters, no conflicts (2 of 4 stars). 3 submissions from 3 submitters: Uncertain significance (3). Last evaluated 2025-10-29.

Conditions:
Hereditary cancer-predisposing syndrome. Also called: Tumor predisposition; Neoplastic Syndromes, Hereditary; Hereditary neoplastic syndrome; Hereditary Cancer Syndrome. Identifiers: Orphanet 140162, MedGen C0027672, MeSH D009386, MONDO:0015356.
Familial cancer of breast. Also called: Hereditary breast cancer; hereditary breast carcinoma; BREAST CANCER, FAMILIAL. Identifiers: Orphanet 227535, MedGen C0346153, MONDO:0016419, OMIM 114480. Disease mechanism: loss of function.

Allele frequency attached by ClinVar (database versions not stated): 1000 Genomes Project 30x 0.00016.

Submissions (3):

Labcorp Genetics (formerly Invitae), Labcorp
Classification: Uncertain significance for Familial cancer of breast. Last evaluated: 2025-10-29. Review status: criteria provided, single submitter. Criteria: Invitae Variant Classification Sherloc (09022015). Collection method: clinical testing. Allele origin: germline.
Comment: This sequence change replaces threonine, which is neutral and polar, with isoleucine, which is neutral and non-polar, at codon 430 of the BARD1 protein (p.Thr430Ile). This variant is not present in population databases (gnomAD no frequency). This variant has not been reported in the literature in individuals affected with BARD1-related conditions. ClinVar contains an entry for this variant (Variation ID: 495873). An algorithm developed to predict the effect of missense changes on protein structure and function (PolyPhen-2) suggests that this variant is likely to be disruptive. In summary, the available evidence is currently insufficient to determine the role of this variant in disease. Therefore, it has been classified as a Variant of Uncertain Significance.

Ambry Genetics
Classification: Uncertain significance for Hereditary cancer-predisposing syndrome. Last evaluated: 2021-06-09. Review status: criteria provided, single submitter. Criteria: Ambry Variant Classification Scheme 2023. Collection method: clinical testing. Allele origin: germline.
Comment: The p.T430I variant (also known as c.1289C>T), located in coding exon 4 of the BARD1 gene, results from a C to T substitution at nucleotide position 1289. The threonine at codon 430 is replaced by isoleucine, an amino acid with similar properties. This amino acid position is highly conserved in available vertebrate species. In addition, this alteration is predicted to be deleterious by in silico analysis. Since supporting evidence is limited at this time, the clinical significance of this alteration remains unclear.

Women's Health and Genetics/Laboratory Corporation of America, LabCorp
Classification: Uncertain significance. Last evaluated: 2016-07-25. Review status: criteria provided, single submitter. Criteria: LabCorp Variant Classification Summary - May 2015. Collection method: clinical testing. Allele origin: germline.
Comment: Variant summary: The BARD1 c.1289C>T (p.Thr430Ile) variant involves the alteration of a conserved nucleotide. Thr430 is conserved across mammals and is located in the Ankyrin repeat-containing domain of the BRCA1-associated RING domain protein 1. 5/5 in silico tools predict a damaging outcome for this variant. This variant was found in 1/120714 control chromosomes at a frequency of 0.0000083, which does not exceed the estimated maximal expected allele frequency of a pathogenic BARD1 variant (0.0002188). The variant of interest has not, to our knowledge, been reported in affected individuals via publications and/or reputable databases/clinical diagnostic laboratories; nor evaluated for functional impact by in vivo/vitro studies. Because of the absence of clinical information and the lack of functional studies, the variant was classified as a variant of uncertain significance (VUS) until additional information becomes available.